The following is an entry in ClinVar:

NM_000091.5(COL4A3):c.944G>T (p.Gly315Val)

Genes: COL4A3 (collagen type IV alpha 3 chain; plus strand), MFF-DT (MFF divergent transcript; minus strand). Cytogenetic location: 2q36.3.
Variant type: single nucleotide variant.
Coding change: c.944G>T on transcript NM_000091.5 (MANE Select); coding-DNA position 944, G replaced by T.
Protein change: p.Gly315Val; replaces glycine 315 with valine.
Molecular consequence: missense variant.
Genome position (GRCh38, 1-based): chr2:227,256,353, G>T. VCF-style: chr2-227256353-G-T. GRCh37 (hg19) VCF-style: chr2-228121069-G-T.
Other names: short protein forms G315V.
Identifiers: ClinVar variation 3634126 (VCV003634126.2).

ClinVar aggregate classification (germline): Uncertain significance (1 of 4 stars; one submission).

gnomAD v4.1: 1 of 1,613,548 alleles (0.000062%); highest among the groups gnomAD compares: Admixed American, 0.0017%; no homozygotes.

Submission:

Labcorp Genetics (formerly Invitae), Labcorp
Classification: Uncertain significance. Last evaluated: 2024-03-12. Review status: criteria provided, single submitter. Criteria: Invitae Variant Classification Sherloc (09022015). Collection method: clinical testing. Allele origin: germline.
Comment: This sequence change replaces glycine, which is neutral and non-polar, with valine, which is neutral and non-polar, at codon 315 of the COL4A3 protein (p.Gly315Val). The frequency data for this variant in the population databases is considered unreliable, as metrics indicate poor data quality at this position in the gnomAD database. This missense change has been observed in individual(s) with clinical features of Alport syndrome (Invitae). Advanced modeling of protein sequence and biophysical properties (such as structural, functional, and spatial information, amino acid conservation, physicochemical variation, residue mobility, and thermodynamic stability) performed at Invitae indicates that this missense variant is expected to disrupt COL4A3 protein function with a positive predictive value of 80%. This variant disrupts the p.Gly315 amino acid residue in COL4A3. Other variant(s) that disrupt this residue have been observed in individuals with COL4A3-related conditions (PMID: 36013122), which suggests that this may be a clinically significant amino acid residue. In summary, the available evidence is currently insufficient to determine the role of this variant in disease. Therefore, it has been classified as a Variant of Uncertain Significance.

Literature cited by the submitters: PubMed 36013122.